The following is an entry in ClinVar:

ClinVar aggregate classification (germline): Uncertain significance (1 of 4 stars; one submission).

Conditions:
DICER1-related tumor predisposition. Also called: DICER1 syndrome; DICER1-related pleuropulmonary blastoma cancer predisposition syndrome. Identifiers: Orphanet 284343, MedGen C3839822, MONDO:0100216.

Submission:

Labcorp Genetics (formerly Invitae), Labcorp
Classification: Uncertain significance for DICER1-related tumor predisposition. Last evaluated: 2024-09-27. Review status: criteria provided, single submitter. Criteria: Invitae Variant Classification Sherloc (09022015). Collection method: clinical testing. Allele origin: germline.
Comment: This sequence change replaces aspartic acid, which is acidic and polar, with glutamic acid, which is acidic and polar, at codon 1446 of the DICER1 protein (p.Asp1446Glu). This variant is not present in population databases (gnomAD no frequency). This variant has not been reported in the literature in individuals affected with DICER1-related conditions. An algorithm developed to predict the effect of missense changes on protein structure and function (PolyPhen-2) suggests that this variant is likely to be disruptive. In summary, the available evidence is currently insufficient to determine the role of this variant in disease. Therefore, it has been classified as a Variant of Uncertain Significance.

NM_177438.3(DICER1):c.4338T>G (p.Asp1446Glu)

Gene: DICER1 (dicer 1, ribonuclease III; minus strand). Cytogenetic location: 14q32.13.
Variant type: single nucleotide variant.
Coding change: c.4338T>G on transcript NM_177438.3 (MANE Select); coding-DNA position 4338, T replaced by G.
Protein change: p.Asp1446Glu; replaces aspartic acid 1446 with glutamic acid.
Molecular consequence: missense variant. On other transcripts: non-coding transcript variant (6).
Genome position (GRCh38, 1-based): chr14:95,096,582, A>C on the plus strand (T>G on the coding strand, the complement: DICER1 is on the minus strand). VCF-style: chr14-95096582-A-C. GRCh37 (hg19) VCF-style: chr14-95562919-A-C.
Other names: c.4338T>G, p.Asp1446Glu (NM_001195573.1, NM_001271282.3, NM_001291628.2 and 12 more transcripts); c.4056T>G, p.Asp1352Glu (NM_001395686.1); c.3933T>G, p.Asp1311Glu (NM_001395687.1, NM_001395688.1, NM_001395689.1 and 2 more transcripts); c.3771T>G, p.Asp1257Glu (NM_001395691.1); c.2655T>G, p.Asp885Glu (NM_001395697.1); short protein forms D1352E, D885E, D1257E, D1311E, D1446E.
Identifiers: ClinVar variation 3720159 (VCV003720159.2).